The following is an entry in ClinVar:

ClinVar aggregate classification (germline): Uncertain significance (1 of 4 stars; one submission).

Submission:

GeneDx
Classification: Uncertain significance. Last evaluated: 2018-06-11. Review status: criteria provided, single submitter. Criteria: GeneDx Variant Classification Process June 2021. Collection method: clinical testing. Allele origin: germline. Affected: yes.
Comment: In silico analysis, which includes splice predictors and evolutionary conservation, supports that this variant does not alter protein structure/function

NM_001830.4(CLCN4):c.-12+5G>T

Gene: CLCN4 (chloride voltage-gated channel 4; plus strand). Cytogenetic location: Xp22.2.
Variant type: single nucleotide variant.
Coding change: c.-12+5G>T on transcript NM_001830.4 (MANE Select); 5 bases into the intron after 12 bases upstream of the start codon, G replaced by T.
Molecular consequence: intron variant.
Genome position (GRCh38, 1-based): chrX:10,158,556, G>T. VCF-style: chrX-10158556-G-T. GRCh37 (hg19) VCF-style: chrX-10126596-G-T.
Other names: c.-39+5G>T (NM_001256944.2).
Identifiers: ClinVar variation 1303922 (VCV001303922.2), dbSNP rs1602133403, ClinGen allele CA2415172439.
Genomic context (GRCh38, chrX:10,158,556, plus strand): 5'-GGATGCTCGAGGATGCTGTCCAGGTGGGCGGCCGCGGGCGCGATGCGGCACTGCAGGTAA[G>T]GGGCGCGCGGCGCCTGGATGCCCTCCCCGGCGCCCCCGGCAGCGCGGACGCTGCAGGTGG-3'